The following is an entry in ClinVar:

ClinVar aggregate classification (germline): Likely benign (1 of 4 stars; one submission).

Allele frequency attached by ClinVar (database versions not stated): gnomAD exomes 0.00075; ExAC 0.00265; gnomAD 0.00821; TOPMed 0.00893; ESP Exome Variant Server 0.01046; 1000 Genomes Project 0.01098; 1000 Genomes Project 30x 0.01109.
gnomAD v4.1: 2,374 of 1,613,790 alleles (0.15%); highest among the groups gnomAD compares: African/African-American, 2.8%; 32 homozygotes.

Submission:

GeneDx
Classification: Likely benign. Last evaluated: 2019-03-01. Review status: criteria provided, single submitter. Criteria: GeneDx Variant Classification Process June 2021. Collection method: clinical testing. Allele origin: germline. Affected: yes.
Comment: See Variant Classification Assertion Criteria.

NM_022081.6(HPS4):c.706+36G>A

Gene: HPS4 (HPS4 biogenesis of lysosomal organelles complex 3 subunit 2; minus strand). Cytogenetic location: 22q12.1.
Variant type: single nucleotide variant.
Coding change: c.706+36G>A on transcript NM_022081.6 (MANE Select); 36 bases into the intron after coding-DNA position 706, G replaced by A.
Molecular consequence: intron variant.
Genome position (GRCh38, 1-based): chr22:26,466,190, C>T on the plus strand (G>A on the coding strand, the complement: HPS4 is on the minus strand). VCF-style: chr22-26466190-C-T. GRCh37 (hg19) VCF-style: chr22-26862156-C-T.
Other names: c.706+36G>A (NM_001349905.1, NM_001349904.2, NM_001349902.1 and 6 more transcripts); c.691+36G>A (NM_152841.2).
Identifiers: ClinVar variation 1707357 (VCV001707357.2), dbSNP rs80043802, ClinGen allele CA10163557.